The following is an entry in ClinVar:

NM_001378687.1(ATP2C1):c.635C>T (p.Ser212Leu)

Gene: ATP2C1 (ATPase secretory pathway Ca2+ transporting 1; plus strand). Cytogenetic location: 3q22.1.
Variant type: single nucleotide variant.
Coding change: c.635C>T on transcript NM_001378687.1 (MANE Select); coding-DNA position 635, C replaced by T.
Protein change: p.Ser212Leu; replaces serine 212 with leucine.
Molecular consequence: missense variant.
Genome position (GRCh38, 1-based): chr3:130,953,924, C>T. VCF-style: chr3-130953924-C-T. GRCh37 (hg19) VCF-style: chr3-130672768-C-T.
Other names: c.635C>T, p.Ser212Leu (NM_001001485.3, NM_001001486.2, NM_001001487.2 and 5 more transcripts); c.737C>T, p.Ser246Leu (NM_001199180.2, NM_001199181.3, NM_001378511.1); c.620C>T, p.Ser207Leu (NM_001199182.2); c.587C>T, p.Ser196Leu (NM_001199183.2, NM_001199184.3, NM_001378514.1); short protein forms S207L, S212L, S196L, S246L.
Identifiers: ClinVar variation 899637 (VCV000899637.7), dbSNP rs200427297, ClinGen allele CA2614878.
Genomic context (GRCh38, chr3:130,953,924, plus strand): 5'-CAACGCCTTGTTCTAAGGTGACAGCTCCTCAGCCAGCTGCAACTAATGGAGATCTTGCAT[C>T]GAGAAGTAACATTGCCTTTATGGGAACACTGGTCAGATGTGGCAAAGCAAAGGTAAATTT-3'
Protein context (NP_001365616.1, residues 202-222): QPAATNGDLA[Ser212Leu]RSNIAFMGTL

ClinVar aggregate classification (germline): Conflicting classifications of pathogenicity. Review status: criteria provided, conflicting classifications (1 of 4 stars). 2 submissions from 2 submitters: Uncertain significance (1); Benign (1). Last evaluated 2023-07-03.

Conditions:
Familial benign pemphigus (HHD). Identifiers: Orphanet 2841, MedGen C0085106, MONDO:0008218, OMIM 169600.

Allele frequency attached by ClinVar (database versions not stated): ExAC 0.00004; gnomAD exomes 0.00004; gnomAD 0.00005; TOPMed 0.00006; ESP Exome Variant Server 0.00008; 1000 Genomes Project 30x 0.00016; 1000 Genomes Project 0.00020.
gnomAD v4.1: 46 of 1,614,010 alleles (0.0029%); highest among the groups gnomAD compares: Admixed American, 0.0083%; no homozygotes.

Submissions (2):

Labcorp Genetics (formerly Invitae), Labcorp
Classification: Uncertain significance. Last evaluated: 2023-07-03. Review status: criteria provided, single submitter. Criteria: Invitae Variant Classification Sherloc (09022015). Collection method: clinical testing. Allele origin: germline.
Comment: This sequence change replaces serine, which is neutral and polar, with leucine, which is neutral and non-polar, at codon 212 of the ATP2C1 protein (p.Ser212Leu). This variant is present in population databases (rs200427297, gnomAD 0.01%). This variant has not been reported in the literature in individuals affected with ATP2C1-related conditions. ClinVar contains an entry for this variant (Variation ID: 899637). Advanced modeling of protein sequence and biophysical properties (such as structural, functional, and spatial information, amino acid conservation, physicochemical variation, residue mobility, and thermodynamic stability) performed at Invitae indicates that this missense variant is not expected to disrupt ATP2C1 protein function. In summary, the available evidence is currently insufficient to determine the role of this variant in disease. Therefore, it has been classified as a Variant of Uncertain Significance.

Illumina Laboratory Services, Illumina
Classification: Benign for Familial benign pemphigus. Last evaluated: 2018-01-13. Review status: criteria provided, single submitter. Criteria: ICSL Variant Classification Criteria 13 December 2019. Collection method: clinical testing. Allele origin: germline.
Comment: This variant was observed in the ICSL laboratory as part of a predisposition screen in an ostensibly healthy population. It had not been previously curated by ICSL or reported in the Human Gene Mutation Database (HGMD: prior to June 1st, 2018), and was therefore a candidate for classification through an automated scoring system. Utilizing variant allele frequency, disease prevalence and penetrance estimates, and inheritance mode, an automated score was calculated to assess if this variant is too frequent to cause the disease. Based on the score and internal cut-off values, a variant classified as benign is not then subjected to further curation. The score for this variant resulted in a classification of benign for this disease.